The following is an entry in ClinVar:

ClinVar aggregate classification (germline): Uncertain significance. Review status: criteria provided, multiple submitters, no conflicts (2 of 4 stars). 3 submissions from 3 submitters: Uncertain significance (3). Last evaluated 2023-02-22.

Conditions:
Fanconi anemia complementation group O. Also called: RAD51C-Related Fanconi Anemia. Identifiers: Orphanet 84, MedGen C3150653, MONDO:0013248, OMIM 613390.
Breast-ovarian cancer, familial, susceptibility to, 3. Also called: RAD51C-Related Breast/Ovarian Cancer. Identifiers: Orphanet 145, MedGen C3150659, MONDO:0013253, OMIM 613399.
Hereditary cancer-predisposing syndrome. Also called: Tumor predisposition; Hereditary Cancer Syndrome; Neoplastic Syndromes, Hereditary; Hereditary neoplastic syndrome. Identifiers: Orphanet 140162, MedGen C0027672, MeSH D009386, MONDO:0015356.

Submissions (3):

Ambry Genetics
Classification: Uncertain significance for Hereditary cancer-predisposing syndrome. Last evaluated: 2023-02-22. Review status: criteria provided, single submitter. Criteria: Ambry Variant Classification Scheme 2023. Collection method: clinical testing. Allele origin: germline.
Comment: The c.904+4G>T intronic variant results from a G to T substitution 4 nucleotides after coding exon 6 in the RAD51C gene. This nucleotide position is well conserved in available vertebrate species. In silico splice site analysis for this alteration is inconclusive. Since supporting evidence is limited at this time, the clinical significance of this alteration remains unclear.

Fulgent Genetics
Classification: Uncertain significance for Fanconi anemia complementation group O; Breast-ovarian cancer, familial, susceptibility to, 3. Last evaluated: 2021-11-03. Review status: criteria provided, single submitter. Criteria: ACMG Guidelines, 2015. Collection method: clinical testing. Allele origin: unknown.

Labcorp Genetics (formerly Invitae), Labcorp
Classification: Uncertain significance for Fanconi anemia complementation group O. Last evaluated: 2021-09-18. Review status: criteria provided, single submitter. Criteria: Invitae Variant Classification Sherloc (09022015). Collection method: clinical testing. Allele origin: germline.
Comment: Nucleotide substitutions within the consensus splice site are a relatively common cause of aberrant splicing (PMID: 17576681, 9536098). Algorithms developed to predict the effect of sequence changes on RNA splicing suggest that this variant may disrupt the consensus splice site, but this prediction has not been confirmed by published transcriptional studies. This variant has not been reported in the literature in individuals with RAD51C-related conditions. This variant is not present in population databases (ExAC no frequency). This sequence change falls in intron 6 of the RAD51C gene. It does not directly change the encoded amino acid sequence of the RAD51C protein, but it affects a nucleotide within the consensus splice site of the intron. In summary, the available evidence is currently insufficient to determine the role of this variant in disease. Therefore, it has been classified as a Variant of Uncertain Significance.

Literature cited by the submitters: PubMed 17576681 (cited by Labcorp Genetics (formerly Invitae), Labcorp); PubMed 9536098 (cited by Labcorp Genetics (formerly Invitae), Labcorp).

NM_058216.3(RAD51C):c.904+4G>T

Gene: RAD51C (RAD51 paralog C; plus strand). Cytogenetic location: 17q22.
Variant type: single nucleotide variant.
Coding change: c.904+4G>T on transcript NM_058216.3 (MANE Select); 4 bases into the intron after coding-DNA position 904, G replaced by T.
Molecular consequence: intron variant.
Genome position (GRCh38, 1-based): chr17:58,720,816, G>T. VCF-style: chr17-58720816-G-T. GRCh37 (hg19) VCF-style: chr17-56798177-G-T.
Other names: c.904+4G>T (NM_058216.1).
Identifiers: ClinVar variation 1010953 (VCV001010953.9), dbSNP rs2048894318, ClinGen allele CA2267827673.
Genomic context (GRCh38, chr17:58,720,816, plus strand): 5'-CCAATCAGATGACAACAAAGATTGATAGAAATCAGGCCTTGCTTGTTCCTGCATTAGGTG[G>T]GTAATTAATCAGATAAACATTTTAGTTTATCACAGTTTTTCTTATCTCTTTCATTTGATT-3'